The following is an entry in ClinVar:

ClinVar aggregate classification (germline): Uncertain significance (1 of 4 stars; one submission).

Conditions:
DOCK2 deficiency. Also called: Immunodeficiency 40. Identifiers: Orphanet 447737, MedGen C4225328, MONDO:0014637, OMIM 616433.

Allele frequency attached by ClinVar (database versions not stated): gnomAD exomes below 0.00001.
gnomAD v4.1: 2 of 1,613,794 alleles (0.00012%); highest among the groups gnomAD compares: Admixed American, 0.0017%; no homozygotes.

Submission:

Labcorp Genetics (formerly Invitae), Labcorp
Classification: Uncertain significance for DOCK2 deficiency. Last evaluated: 2022-04-15. Review status: criteria provided, single submitter. Criteria: Invitae Variant Classification Sherloc (09022015). Collection method: clinical testing. Allele origin: germline.
Comment: In summary, the available evidence is currently insufficient to determine the role of this variant in disease. Therefore, it has been classified as a Variant of Uncertain Significance. Algorithms developed to predict the effect of missense changes on protein structure and function are either unavailable or do not agree on the potential impact of this missense change (SIFT: "Tolerated"; PolyPhen-2: "Probably Damaging"; Align-GVGD: "Class C0"). This variant has not been reported in the literature in individuals affected with DOCK2-related conditions. This variant is not present in population databases (gnomAD no frequency). This sequence change replaces tyrosine, which is neutral and polar, with histidine, which is basic and polar, at codon 720 of the DOCK2 protein (p.Tyr720His).

NM_004946.3(DOCK2):c.2158T>C (p.Tyr720His)

Gene: DOCK2 (dedicator of cytokinesis 2; plus strand). Cytogenetic location: 5q35.1.
Variant type: single nucleotide variant.
Coding change: c.2158T>C on transcript NM_004946.3 (MANE Select); coding-DNA position 2158, T replaced by C.
Protein change: p.Tyr720His; replaces tyrosine 720 with histidine.
Molecular consequence: missense variant. On other transcripts: non-coding transcript variant (1).
Genome position (GRCh38, 1-based): chr5:169,718,682, T>C. VCF-style: chr5-169718682-T-C. GRCh37 (hg19) VCF-style: chr5-169145686-T-C.
Other names: short protein forms Y720H.
Identifiers: ClinVar variation 2126349 (VCV002126349.4), dbSNP rs2532645766, ClinGen allele CA362109552.